The following is an entry in ClinVar:

ClinVar aggregate classification (germline): Uncertain significance. Review status: criteria provided, multiple submitters, no conflicts (2 of 4 stars). 2 submissions from 2 submitters: Uncertain significance (2). Last evaluated 2023-11-16.

Conditions:
Hypokalemic periodic paralysis, type 1. Also called: HypoPP; Hypokalemic Periodic Paralysis Type 1 (AD). Identifiers: Orphanet 681, MedGen C3714580, MONDO:0042979, OMIM 170400.
Malignant hyperthermia, susceptibility to, 5 (MHS5). Also called: CACNA1S-Related Malignant Hyperthermia Susceptibility. Identifiers: Orphanet 423, MedGen C1866077, MONDO:0011163, OMIM 601887.

Allele frequency attached by ClinVar (database versions not stated): gnomAD exomes 0.00001 and 0.00004; ExAC 0.00003; gnomAD 0.00003 and 0.00005; TOPMed 0.00006; ESP Exome Variant Server 0.00008.
gnomAD v4.1: 68 of 1,607,584 alleles (0.0042%); highest among the groups gnomAD compares: Non-Finnish European, 0.0053%; 1 homozygote.

Submissions (2):

Color Diagnostics, LLC DBA Color Health
Classification: Uncertain significance for Malignant hyperthermia, susceptibility to, 5. Last evaluated: 2023-11-16. Review status: criteria provided, single submitter. Criteria: ACMG Guidelines, 2015. Collection method: clinical testing. Allele origin: germline.
Comment: This missense variant replaces glutamic acid with glycine at codon 1226 of the CACNA1S protein. Computational prediction suggests that this variant may have deleterious impact on protein structure and function. To our knowledge, functional studies have not been reported for this variant. This variant has not been reported in individuals affected with CACNA1S-related disorders in the literature. This variant has been identified in 3/250374 chromosomes in the general population by the Genome Aggregation Database (gnomAD). The available evidence is insufficient to determine the role of this variant in disease conclusively. Therefore, this variant is classified as a Variant of Uncertain Significance.

Labcorp Genetics (formerly Invitae), Labcorp
Classification: Uncertain significance for Hypokalemic periodic paralysis, type 1; Malignant hyperthermia, susceptibility to, 5. Last evaluated: 2022-02-22. Review status: criteria provided, single submitter. Criteria: Invitae Variant Classification Sherloc (09022015). Collection method: clinical testing. Allele origin: germline.
Comment: This sequence change replaces glutamic acid, which is acidic and polar, with glycine, which is neutral and non-polar, at codon 1226 of the CACNA1S protein (p.Glu1226Gly). This variant is present in population databases (rs150164738, gnomAD 0.007%). This variant has not been reported in the literature in individuals affected with CACNA1S-related conditions. ClinVar contains an entry for this variant (Variation ID: 944663). Advanced modeling of protein sequence and biophysical properties (such as structural, functional, and spatial information, amino acid conservation, physicochemical variation, residue mobility, and thermodynamic stability) performed at Invitae indicates that this missense variant is not expected to disrupt CACNA1S protein function. In summary, the available evidence is currently insufficient to determine the role of this variant in disease. Therefore, it has been classified as a Variant of Uncertain Significance.

NM_000069.3(CACNA1S):c.3677A>G (p.Glu1226Gly)

Gene: CACNA1S (calcium voltage-gated channel subunit alpha1 S; minus strand). Cytogenetic location: 1q32.1.
Variant type: single nucleotide variant.
Coding change: c.3677A>G on transcript NM_000069.3 (MANE Select); coding-DNA position 3677, A replaced by G.
Protein change: p.Glu1226Gly; replaces glutamic acid 1226 with glycine.
Molecular consequence: missense variant.
Genome position (GRCh38, 1-based): chr1:201,053,577, T>C on the plus strand (A>G on the coding strand, the complement: CACNA1S is on the minus strand). VCF-style: chr1-201053577-T-C. GRCh37 (hg19) VCF-style: chr1-201022705-T-C.
Other names: short protein forms E1226G.
Identifiers: ClinVar variation 944663 (VCV000944663.6), dbSNP rs150164738, ClinGen allele CA082741.
Genomic context (GRCh38, chr1:201,053,577, plus strand): 5'-AGCTTGATCAGCCTCATGACACGGAACAGGCGGAAGAAGGCGCTGGAGATGCGGGCACTC[T>C]CATCTGGGTCCTGCGGGGCAGCAGCCCCAGAGGTCAGTCTGGGGGCAGAACCTCAGAGGG-3'
Protein context (NP_000060.2, residues 1216-1236): GGGCGNVDPD[Glu1226Gly]SARISSAFFR